The following is an entry in ClinVar:

ClinVar aggregate classification (germline): Conflicting classifications of pathogenicity. Review status: criteria provided, conflicting classifications (1 of 4 stars). 2 submissions from 2 submitters: Uncertain significance (1); Benign (1). Last evaluated 2025-12-16.

Conditions:
RAI1-related disorder. Also called: RAI1-related condition.

Allele frequency attached by ClinVar (database versions not stated): gnomAD exomes below 0.00001; TOPMed 0.00001.
gnomAD v4.1: 6 of 1,614,068 alleles (0.00037%); highest among the groups gnomAD compares: African/African-American, 0.0013%; no homozygotes.

Submissions (2):

Labcorp Genetics (formerly Invitae), Labcorp
Classification: Benign. Last evaluated: 2025-12-16. Review status: criteria provided, single submitter. Criteria: Invitae Variant Classification Sherloc (09022015). Collection method: clinical testing. Allele origin: germline.

PreventionGenetics, part of Exact Sciences
Classification: Uncertain significance for RAI1-related condition. Last evaluated: 2025-12-12. Review status: criteria provided, single submitter. Criteria: ACMG Guidelines, 2015. Collection method: clinical testing. Allele origin: germline.
Comment: The RAI1 c.4631G>A variant is predicted to result in the amino acid substitution p.Arg1544Gln. This variant has been reported with uncertain significance in study of pediatric patients with obesity (Supplementary Table 1, Roberts et al. 2022. PubMed ID: 35562395). This variant has not been reported in a large population database (gnomAD), indicating this variant is rare. At this time, the clinical significance of this variant is uncertain due to the absence of conclusive functional and genetic evidence.

NM_030665.4(RAI1):c.4631G>A (p.Arg1544Gln)

Gene: RAI1 (retinoic acid induced 1; plus strand). Cytogenetic location: 17p11.2.
Variant type: single nucleotide variant.
Coding change: c.4631G>A on transcript NM_030665.4 (MANE Select); coding-DNA position 4631, G replaced by A.
Protein change: p.Arg1544Gln; replaces arginine 1544 with glutamine.
Molecular consequence: missense variant.
Genome position (GRCh38, 1-based): chr17:17,797,579, G>A. VCF-style: chr17-17797579-G-A. GRCh37 (hg19) VCF-style: chr17-17700893-G-A.
Other names: c.4631G>A (NM_030665.3); short protein forms R1544Q.
Identifiers: ClinVar variation 1964128 (VCV001964128.6), dbSNP rs1416260012, ClinGen allele CA398557175.